The following is an entry in ClinVar:

ClinVar aggregate classification (germline): Uncertain significance. Review status: criteria provided, multiple submitters, no conflicts (2 of 4 stars). 2 submissions from 2 submitters: Uncertain significance (2). Last evaluated 2026-04-13.

Conditions:
RP1L1-related disorder. Also called: RP1L1-related condition.
Occult macular dystrophy (OCMD). Also called: OCCULT MACULAR DYSTROPHY, SUSCEPTIBILITY TO; OMD. Identifiers: Orphanet 247834, MedGen C3150833, MONDO:0013316, OMIM 613587, HP:0030636.

Allele frequency attached by ClinVar (database versions not stated): gnomAD exomes below 0.00001; ExAC 0.00001; gnomAD 0.00001; TOPMed 0.00002.

Submissions (2):

PreventionGenetics, part of Exact Sciences
Classification: Uncertain significance for RP1L1-related condition. Last evaluated: 2026-04-13. Review status: criteria provided, single submitter. Criteria: ACMG Guidelines, 2015. Collection method: clinical testing. Allele origin: germline.
Comment: The RP1L1 c.919G>A variant is predicted to result in the amino acid substitution p.Asp307Asn. To our knowledge, this variant has not been reported in the literature. This variant is present in 0.00090% of alleles in individuals of European (Non-Finnish) descent in gnomAD. At this time, the clinical significance of this variant is uncertain due to the absence of conclusive functional and genetic evidence.

Illumina Laboratory Services, Illumina
Classification: Uncertain significance for Occult macular dystrophy. Last evaluated: 2018-01-13. Review status: criteria provided, single submitter. Criteria: ICSL Variant Classification Criteria 13 December 2019. Collection method: clinical testing. Allele origin: germline.

NM_178857.6(RP1L1):c.919G>A (p.Asp307Asn)

Gene: RP1L1 (RP1 like 1). Cytogenetic location: 8p23.1.
Variant type: single nucleotide variant.
Coding change: c.919G>A on transcript NM_178857.6 (MANE Select); coding-DNA position 919, G replaced by A.
Protein change: p.Asp307Asn; replaces aspartic acid 307 with asparagine.
Molecular consequence: missense variant.
Genome position (GRCh38, 1-based): chr8:10,613,179, C>T on the plus strand (G>A on the coding strand, the complement: RP1L1 is on the minus strand). VCF-style: chr8-10613179-C-T. GRCh37 (hg19) VCF-style: chr8-10470689-C-T.
Other names: short protein forms D307N.
Identifiers: ClinVar variation 911706 (VCV000911706.5), dbSNP rs762473280, ClinGen allele CA4625389.